The following is an entry in ClinVar:

ClinVar aggregate classification (germline): Conflicting classifications of pathogenicity. Review status: criteria provided, conflicting classifications (1 of 4 stars). 5 submissions from 5 submitters: Likely pathogenic (1); Uncertain significance (1); Likely benign (1). 2 of the submissions do not count toward it. Last evaluated 2025-06-12.

Conditions:
Fanconi anemia (FA). Also called: Fanconi's anemia. Identifiers: Orphanet 84, MedGen C0015625, MeSH D005199, MONDO:0019391.
Fanconi anemia complementation group A (FANCA). Also called: FANCA-Related Fanconi Anemia; Fanconi anemia, group A. Identifiers: Orphanet 84, MedGen C3469521, MONDO:0009215, OMIM 227650.

Allele frequency attached by ClinVar (database versions not stated): gnomAD 0.00002; TOPMed 0.00002; ESP Exome Variant Server 0.00008.
gnomAD v4.1: 85 of 1,614,048 alleles (0.0053%); highest among the groups gnomAD compares: African/African-American, 0.0093%; no homozygotes.

Submissions (5):

Labcorp Genetics (formerly Invitae), Labcorp
Classification: Likely benign for Fanconi anemia. Last evaluated: 2025-06-12. Review status: criteria provided, single submitter. Criteria: Invitae Variant Classification Sherloc (09022015). Collection method: clinical testing. Allele origin: germline.

Quest Diagnostics Nichols Institute San Juan Capistrano
Classification: Uncertain significance. Last evaluated: 2023-06-04. Review status: criteria provided, single submitter. Criteria: Quest Diagnostics criteria. Collection method: clinical testing. Allele origin: unknown.
Comment: In the published literature, this variant has been reported in individuals with astrocytoma (PMID: 33332384 (2020)) and prostate cancer (PMID: 34902740 (2022)). The frequency of this variant in the general population, 0.000062 (7/113724 chromosomes (Genome Aggregation Database)), is uninformative in the assessment of its pathogenicity. Analysis of this variant using bioinformatics tools for the prediction of the effect of amino acid changes on protein structure and function yielded predictions that this variant is damaging. Based on the available information, we are unable to determine the clinical significance of this variant.

Genetic Services Laboratory, University of Chicago
Classification: Likely pathogenic for Fanconi anemia, complementation group A. Last evaluated: 2016-09-23. Review status: criteria provided, single submitter. Criteria: ACMG Guidelines, 2015. Collection method: clinical testing. Allele origin: germline. Affected: yes.

Natera, Inc.
Classification: Uncertain significance for Fanconi anemia, group A. Last evaluated: 2020-09-16. Review status: no assertion criteria provided. Collection method: clinical testing. Allele origin: germline. Not counted in ClinVar's aggregate classification.

Counsyl
Classification: Uncertain significance for Fanconi anemia complementation group A. Last evaluated: 2019-01-24. Review status: no assertion criteria provided. Collection method: clinical testing. Allele origin: unknown. Not counted in ClinVar's aggregate classification.

Literature cited by the submitters: PubMed 33332384 (cited by Quest Diagnostics Nichols Institute San Juan Capistrano); PubMed 34902740 (cited by Quest Diagnostics Nichols Institute San Juan Capistrano).

NM_000135.4(FANCA):c.3482C>T (p.Thr1161Met)

Gene: FANCA (FA complementation group A; minus strand). Cytogenetic location: 16q24.3.
Variant type: single nucleotide variant.
Coding change: c.3482C>T on transcript NM_000135.4 (MANE Select); coding-DNA position 3482, C replaced by T.
Protein change: p.Thr1161Met; replaces threonine 1161 with methionine.
Molecular consequence: missense variant.
Genome position (GRCh38, 1-based): chr16:89,746,615, G>A on the plus strand (C>T on the coding strand, the complement: FANCA is on the minus strand). VCF-style: chr16-89746615-G-A. GRCh37 (hg19) VCF-style: chr16-89813023-G-A.
Other names: c.3482C>T (LRG_495t1, NM_000135.3); c.3482C>T, p.Thr1161Met (NM_001286167.3); short protein forms T1161M.
Identifiers: ClinVar variation 435126 (VCV000435126.15), dbSNP rs142833057, ClinGen allele CA8251139.